The following is an entry in ClinVar:

ClinVar aggregate classification (germline): Pathogenic (1 of 4 stars; one submission).

Submission:

CeGaT Center for Human Genetics Tuebingen
Classification: Pathogenic. Last evaluated: 2026-08-01. Review status: criteria provided, single submitter. Criteria: CeGaT Center For Human Genetics Tuebingen Variant Classification Criteria Version 2. Collection method: clinical testing. Allele origin: germline. Affected: yes. Observed: 1 variant allele.
Comment: FLNA: PVS1, PM2

NM_001110556.2(FLNA):c.5811del (p.Lys1937fs)

Gene: FLNA (filamin A; minus strand). Cytogenetic location: Xq28.
Variant type: Deletion.
Coding change: c.5811del on transcript NM_001110556.2 (MANE Select); coding-DNA position 5811, one base deleted (G; older notation c.5811delG).
Protein change: p.Lys1937fs; shifts the reading frame from lysine 1937.
Molecular consequence: frameshift variant.
Genome position (GRCh38, 1-based): chrX:154,353,603, C deleted on the plus strand (G on the coding strand, the reverse complement: FLNA is on the minus strand). VCF-style (leftmost placement, unchanged base first): chrX-154353602-AC-A. GRCh37 (hg19) VCF-style: chrX-153581970-AC-A.
Other names: c.5787del, p.Lys1929fs (NM_001456.4); short protein forms K1929fs, K1937fs.
Identifiers: ClinVar variation 5040678 (VCV005040678.1).